The following is an entry in ClinVar:

ClinVar aggregate classification (germline): Conflicting classifications of pathogenicity. Review status: criteria provided, conflicting classifications (1 of 4 stars). 8 submissions from 8 submitters: Uncertain significance (7); Likely benign (1). Last evaluated 2026-09-21.

Conditions:
TMIE-related disorder. Also called: TMIE-related condition.
Autosomal recessive nonsyndromic hearing loss 6. Also called: NEUROSENSORY NONSYNDROMIC RECESSIVE DEAFNESS 6. Identifiers: Orphanet 90636, MedGen C1832992, MONDO:0010965, OMIM 600971.

Allele frequency attached by ClinVar (database versions not stated): ESP Exome Variant Server 0.00015; gnomAD 0.00026 and 0.00031; TOPMed 0.00028; ExAC 0.00038; 1000 Genomes Project 0.00040; 1000 Genomes Project 30x 0.00047.
gnomAD v4.1: 591 of 1,614,130 alleles (0.037%); highest among the groups gnomAD compares: Middle Eastern, 0.73%; 1 homozygote.

Submissions (8):

PreventionGenetics, part of Exact Sciences
Classification: Uncertain significance for TMIE-related condition. Last evaluated: 2026-09-21. Review status: criteria provided, single submitter. Criteria: ACMG Guidelines, 2015. Collection method: clinical testing. Allele origin: germline.
Comment: The TMIE c.191C>T variant is predicted to result in the amino acid substitution p.Ser64Leu. This variant was previously reported in an individual with hearing impairment; that individual also carried a rare homozygous missense variant in a different gene (supplementary data, Vona et al. 2014. PubMed ID: 24875298). However, this variant is reported in 0.057% of alleles in individuals of Latino descent in gnomAD, which may be too frequent to be a primary cause of disease. Although we suspect that this variant may be benign, at this time, the clinical significance of this variant is uncertain due to the absence of conclusive functional and genetic evidence.

Blueprint Genetics
Classification: Uncertain significance. Last evaluated: 2024-10-15. Review status: criteria provided, single submitter. Criteria: ACMG Guidelines, 2015. Collection method: clinical testing. Allele origin: germline.

Labcorp Genetics (formerly Invitae), Labcorp
Classification: Uncertain significance. Last evaluated: 2022-08-09. Review status: criteria provided, single submitter. Criteria: Invitae Variant Classification Sherloc (09022015). Collection method: clinical testing. Allele origin: germline.
Comment: This sequence change replaces serine, which is neutral and polar, with leucine, which is neutral and non-polar, at codon 64 of the TMIE protein (p.Ser64Leu). This variant is present in population databases (rs189895472, gnomAD 0.06%). This missense change has been observed in individual(s) with deafness (PMID: 24875298). ClinVar contains an entry for this variant (Variation ID: 165460). Algorithms developed to predict the effect of missense changes on protein structure and function are either unavailable or do not agree on the potential impact of this missense change (SIFT: "Deleterious"; PolyPhen-2: "Possibly Damaging"; Align-GVGD: "Class C0"). In summary, the available evidence is currently insufficient to determine the role of this variant in disease. Therefore, it has been classified as a Variant of Uncertain Significance.

GeneDx
Classification: Likely benign. Last evaluated: 2021-04-20. Review status: criteria provided, single submitter. Criteria: GeneDx Variant Classification Process June 2021. Collection method: clinical testing. Allele origin: germline. Affected: yes.
Comment: This variant is associated with the following publications: (PMID: 24875298)

ARUP Laboratories, Molecular Genetics and Genomics, ARUP Laboratories
Classification: Uncertain significance for Autosomal recessive nonsyndromic hearing loss 6. Last evaluated: 2019-03-18. Review status: criteria provided, single submitter. Criteria: ARUP Molecular Germline Variant Investigation Process. Collection method: clinical testing. Allele origin: germline.
Comment: The TMIE c.191C>T; p.Ser64Leu variant (rs189895472) was detected in a patient with recessive hereditary hearing loss in the heterozygous state; however, a likely causative variant in another gene was also identified (Vona 2014). This variant is listed in the genome Aggregation Database (gnomAD) with an overall population frequency of 0.04% (identified on 105 out of 281,070 chromosomes) and is classified as a variant of unknown significance in ClinVar (ID: 165460). The serine at position 64 is highly conserved, considering 12 species, and computational analyses of the effects of the p.Ser64Leu variant on protein structure and function make conflicting predictions (SIFT: tolerated, PolyPhen-2: possibly damaging). Based on the available information, the clinical significance of the p.Ser64Leu variant cannot be determined with certainty.

Illumina Laboratory Services, Illumina
Classification: Uncertain significance for Autosomal recessive nonsyndromic hearing loss 6. Last evaluated: 2018-01-13. Review status: criteria provided, single submitter. Criteria: ICSL Variant Classification Criteria 13 December 2019. Collection method: clinical testing. Allele origin: germline.

Eurofins Ntd Llc (ga)
Classification: Uncertain significance. Last evaluated: 2017-03-10. Review status: criteria provided, single submitter. Criteria: EGL Classification Definitions 2015. Collection method: clinical testing. Allele origin: germline. Observed: 2 variant alleles, 2 heterozygotes.

Laboratory for Molecular Medicine, Mass General Brigham Personalized Medicine
Classification: Uncertain significance. Last evaluated: 2016-09-11. Review status: criteria provided, single submitter. Criteria: LMM Criteria. Collection method: clinical testing. Allele origin: germline. Observed: 4 variant alleles.
Comment: Variant classified as Uncertain Significance - Favor Benign. The p.Ser64Leu vari ant in TMIE has been previously reported in the heterozygous state in four indiv iduals with hearing loss; however, an alternate explanation of the hearing loss was identified in two of these individuals (Vona 2014, LMM data). This variant h as been identified across several populations by the Exome Aggregation Consortiu m with a frequency of 0.04% (46/120742) of the total chromosomes (ExAC; dbSNP rs189895472). However, its frequency is not high e nough to rule out a pathogenic role. Computational prediction tools and conserva tion analyses do not provide strong support for or against an impact to the prot ein. In summary, while the clinical significance of the p.Ser64Leu variant is un certain, the identification of the variant in several individuals with an altern ate explanation of the hearing loss suggests it is more likely benign.

Literature cited by the submitters: PubMed 24875298 (cited by Labcorp Genetics (formerly Invitae), Labcorp and Laboratory for Molecular Medicine, Mass General Brigham Personalized Medicine).

NM_147196.3(TMIE):c.191C>T (p.Ser64Leu)

Gene: TMIE (transmembrane inner ear; plus strand). Cytogenetic location: 3p21.31.
Variant type: single nucleotide variant.
Coding change: c.191C>T on transcript NM_147196.3 (MANE Select); coding-DNA position 191, C replaced by T.
Protein change: p.Ser64Leu; replaces serine 64 with leucine.
Molecular consequence: missense variant.
Genome position (GRCh38, 1-based): chr3:46,705,887, C>T. VCF-style: chr3-46705887-C-T. GRCh37 (hg19) VCF-style: chr3-46747377-C-T.
Other names: c.32C>T, p.Ser11Leu (NM_001370524.1, NM_001370525.1); short protein forms S64L, S11L.
Identifiers: ClinVar variation 165460 (VCV000165460.27), dbSNP rs189895472, ClinGen allele CA178230.